The following is an entry in ClinVar:

ClinVar aggregate classification (germline): Uncertain significance. Review status: criteria provided, multiple submitters, no conflicts (2 of 4 stars). 3 submissions from 3 submitters: Uncertain significance (3). Last evaluated 2026-04-29.

Conditions:
Marfan syndrome (MFS). Also called: Marfan syndrome, classic; Marfan syndrome type 1; Marfan's syndrome; MARFAN SYNDROME, TYPE I; FBN1-Related Marfan Syndrome. Identifiers: Orphanet 284963, Orphanet 558, MedGen C0024796, MONDO:0007947, OMIM 154700.
Familial thoracic aortic aneurysm and aortic dissection (TAAD). Also called: Thoracic aortic aneurysms and dissections. Identifiers: Orphanet 91387, MedGen C4707243, MONDO:0019625.

Allele frequency attached by ClinVar (database versions not stated): TOPMed below 0.00001; gnomAD exomes below 0.00001.
gnomAD v4.1: 4 of 1,612,464 alleles (0.00025%); highest among the groups gnomAD compares: Non-Finnish European, 0.00034%; no homozygotes.

Submissions (3):

Ambry Genetics
Classification: Uncertain significance for Familial thoracic aortic aneurysm and aortic dissection. Last evaluated: 2026-04-29. Review status: criteria provided, single submitter. Criteria: Ambry Variant Classification Scheme 2023. Collection method: clinical testing. Allele origin: germline.
Comment: The p.G905E variant (also known as c.2714G>A), located in coding exon 22 of the FBN1 gene, results from a G to A substitution at nucleotide position 2714. The glycine at codon 905 is replaced by glutamic acid, an amino acid with similar properties. This amino acid position is highly conserved in available vertebrate species. In addition, this alteration is predicted to be deleterious by in silico analysis. Based on the available evidence, the clinical significance of this variant remains unclear.

Labcorp Genetics (formerly Invitae), Labcorp
Classification: Uncertain significance for Marfan syndrome; Familial thoracic aortic aneurysm and aortic dissection. Last evaluated: 2021-08-28. Review status: criteria provided, single submitter. Criteria: Invitae Variant Classification Sherloc (09022015). Collection method: clinical testing. Allele origin: germline.
Comment: This sequence change replaces glycine with glutamic acid at codon 905 of the FBN1 protein (p.Gly905Glu). The glycine residue is highly conserved and there is a moderate physicochemical difference between glycine and glutamic acid. This variant is not present in population databases (ExAC no frequency). This variant has not been reported in the literature in individuals affected with FBN1-related conditions. Algorithms developed to predict the effect of missense changes on protein structure and function are either unavailable or do not agree on the potential impact of this missense change (SIFT: "Deleterious"; PolyPhen-2: "Probably Damaging"; Align-GVGD: "Class C15"). In summary, the available evidence is currently insufficient to determine the role of this variant in disease. Therefore, it has been classified as a Variant of Uncertain Significance.

ARUP Laboratories, Molecular Genetics and Genomics, ARUP Laboratories
Classification: Uncertain significance. Last evaluated: 2017-12-22. Review status: criteria provided, single submitter. Criteria: ARUP Molecular Germline Variant Investigation Process. Collection method: clinical testing. Allele origin: germline.
Comment: The FBN1 p.Gly905Glu variant (rs1060501091) has not been reported in the medical literature, nor has it been previously identified in our laboratory; however, it is listed in the ClinVar database as a variant of uncertain significance (Variation ID: 406364). This variant is not observed in population genetic databases, including the Genome Aggregation Database. The guanine at codon 905 is highly conserved considering 12 species (Alamut software v.2.10.0), and computational analyses predict that this variant has an impact on the proteinâ€™s structure or function (SIFT: damaging, PolyPhen-2: probably damaging, Mutation Taster: disease causing). However, based on the available information, the clinical significance of the p.Gly905Glu variant cannot be determined with certainty.

NM_000138.5(FBN1):c.2714G>A (p.Gly905Glu)

Gene: FBN1 (fibrillin 1; minus strand). Cytogenetic location: 15q21.1.
Variant type: single nucleotide variant.
Coding change: c.2714G>A on transcript NM_000138.5 (MANE Select); coding-DNA position 2714, G replaced by A.
Protein change: p.Gly905Glu; replaces glycine 905 with glutamic acid.
Molecular consequence: missense variant.
Genome position (GRCh38, 1-based): chr15:48,494,218, C>T on the plus strand (G>A on the coding strand, the complement: FBN1 is on the minus strand). VCF-style: chr15-48494218-C-T. GRCh37 (hg19) VCF-style: chr15-48786415-C-T.
Other names: short protein forms G905E.
Identifiers: ClinVar variation 406364 (VCV000406364.13), dbSNP rs1060501091, ClinGen allele CA16614433.